The following is an entry in ClinVar:

NM_018646.6(TRPV6):c.1723G>A (p.Glu575Lys)

Gene: TRPV6 (transient receptor potential cation channel subfamily V member 6; minus strand). Cytogenetic location: 7q34.
Variant type: single nucleotide variant.
Coding change: c.1723G>A on transcript NM_018646.6 (MANE Select); coding-DNA position 1723, G replaced by A.
Protein change: p.Glu575Lys; replaces glutamic acid 575 with lysine.
Molecular consequence: missense variant.
Genome position (GRCh38, 1-based): chr7:142,873,633, C>T on the plus strand (G>A on the coding strand, the complement: TRPV6 is on the minus strand). VCF-style: chr7-142873633-C-T. GRCh37 (hg19) VCF-style: chr7-142571386-C-T.
Other names: short protein forms E575K.
Identifiers: ClinVar variation 4698269 (VCV004698269.1).

ClinVar aggregate classification (germline): Uncertain significance (1 of 4 stars; one submission).

Submission:

Labcorp Genetics (formerly Invitae), Labcorp
Classification: Uncertain significance. Last evaluated: 2026-01-20. Review status: criteria provided, single submitter. Criteria: Invitae Variant Classification Sherloc (09022015). Collection method: clinical testing. Allele origin: germline.
Comment: This sequence change replaces glutamic acid, which is acidic and polar, with lysine, which is basic and polar, at codon 575 of the TRPV6 protein (p.Glu575Lys). This variant is present in population databases (no rsID available, gnomAD 0.0009%). This missense change has been observed in individual(s) with chronic pancreatitis (PMID: 31930989, 32383311, 34923708). Algorithms developed to predict the effect of variants on gene product structure and function are not available or were not evaluated for this variant. Experimental studies have shown that this missense change affects TRPV6 function (PMID: 34923708). In summary, the available evidence is currently insufficient to determine the role of this variant in disease. Therefore, it has been classified as a Variant of Uncertain Significance.

Literature cited by the submitters: PubMed 31930989; PubMed 32383311; PubMed 34923708.